The following is an entry in ClinVar:

NM_003120.3(SPI1):c.130G>T (p.Glu44Ter)

Gene: SPI1 (Spi-1 proto-oncogene; minus strand). Cytogenetic location: 11p11.2.
Variant type: single nucleotide variant.
Coding change: c.130G>T on transcript NM_003120.3 (MANE Select); coding-DNA position 130, G replaced by T.
Protein change: p.Glu44Ter; replaces glutamic acid 44 with a stop codon.
Molecular consequence: nonsense.
Genome position (GRCh38, 1-based): chr11:47,375,645, C>A on the plus strand (G>T on the coding strand, the complement: SPI1 is on the minus strand). VCF-style: chr11-47375645-C-A. GRCh37 (hg19) VCF-style: chr11-47397196-C-A.
Other names: c.133G>T, p.Glu45Ter (NM_001080547.2); short protein forms E44*, E45*.
Identifiers: ClinVar variation 4526589 (VCV004526589.1).

ClinVar aggregate classification (germline): Pathogenic (1 of 4 stars; one submission).

Conditions:
Agammaglobulinemia 10, autosomal dominant (AGM10). Also called: AGAMMAGLOBULINEMIA, AUTOSOMAL DOMINANT, DUE TO SPI1 DEFECT. Identifiers: MedGen C5676900, MONDO:0030529, OMIM 619707.

Submission:

Department of Medical and Molecular Genetics, Dongguan Institute of Pediatrics
Classification: Pathogenic for Agammaglobulinemia 10, autosomal dominant. Last evaluated: 2025-10-20. Review status: criteria provided, single submitter. Criteria: ACMG Guidelines, 2015. Collection method: clinical testing. Allele origin: de novo. Inheritance: Autosomal dominant inheritance. Affected: yes. Observed: 1 variant allele, 1 heterozygote.
Comment: The NM_003120.3 c.130G>T (p.Glu44Ter) is a nonsense variant in the SPI1 gene which is predicted to result in a premature stop codon at position 44, and likely results in nonsense-mediated mRNA decay or a truncated, non-functional protein product lacking critical functional domains, including the DNA-binding ETS domain (PVS1). This variant is not present in population databases (dbSNP153, ExAC, gnomAD) (PM2_Supporting). In summary, this variant meets criteria to be classified as pathogenic for AGM10 based on the ACMG/AMP guidelines: PVS1, PS2, PM2_Supporting, PP4.